The following is an entry in ClinVar:

NM_020921.4(NIN):c.6035A>T (p.Gln2012Leu)

Gene: NIN (ninein; minus strand). Cytogenetic location: 14q22.1.
Variant type: single nucleotide variant.
Coding change: c.6035A>T on transcript NM_020921.4 (MANE Select); coding-DNA position 6035, A replaced by T.
Protein change: p.Gln2012Leu; replaces glutamine 2012 with leucine.
Molecular consequence: missense variant.
Genome position (GRCh38, 1-based): chr14:50,729,566, T>A on the plus strand (A>T on the coding strand, the complement: NIN is on the minus strand). VCF-style: chr14-50729566-T-A. GRCh37 (hg19) VCF-style: chr14-51196284-T-A.
Other names: c.3896A>T, p.Gln1299Leu (NM_016350.5); c.6035A>T, p.Gln2012Leu (NM_182944.3, NM_182946.2); short protein forms Q2012L, Q1299L.
Identifiers: ClinVar variation 2113946 (VCV002113946.4), dbSNP rs748731088, ClinGen allele CA7181056.

ClinVar aggregate classification (germline): Uncertain significance (1 of 4 stars; one submission).

Allele frequency attached by ClinVar (database versions not stated): ExAC 0.00001.
gnomAD v4.1: 12 of 1,614,136 alleles (0.00074%); highest among the groups gnomAD compares: South Asian, 0.012%; no homozygotes.

Submission:

Labcorp Genetics (formerly Invitae), Labcorp
Classification: Uncertain significance. Last evaluated: 2022-03-20. Review status: criteria provided, single submitter. Criteria: Invitae Variant Classification Sherloc (09022015). Collection method: clinical testing. Allele origin: germline.
Comment: In summary, the available evidence is currently insufficient to determine the role of this variant in disease. Therefore, it has been classified as a Variant of Uncertain Significance. Algorithms developed to predict the effect of missense changes on protein structure and function (SIFT, PolyPhen-2, Align-GVGD) all suggest that this variant is likely to be disruptive. This variant has not been reported in the literature in individuals affected with NIN-related conditions. This variant is present in population databases (rs748731088, gnomAD 0.01%). This sequence change replaces glutamine, which is neutral and polar, with leucine, which is neutral and non-polar, at codon 2012 of the NIN protein (p.Gln2012Leu).